The following is an entry in ClinVar:

NM_000540.3(RYR1):c.7700C>T (p.Pro2567Leu)

Gene: RYR1 (ryanodine receptor 1; plus strand). Cytogenetic location: 19q13.2.
Variant type: single nucleotide variant.
Coding change: c.7700C>T on transcript NM_000540.3 (MANE Select); coding-DNA position 7700, C replaced by T.
Protein change: p.Pro2567Leu; replaces proline 2567 with leucine.
Molecular consequence: missense variant.
Genome position (GRCh38, 1-based): chr19:38,502,592, C>T. VCF-style: chr19-38502592-C-T. GRCh37 (hg19) VCF-style: chr19-38993232-C-T.
Other names: c.7700C>T, p.Pro2567Leu (NM_001042723.2); short protein forms P2567L.
Identifiers: ClinVar variation 859979 (VCV000859979.10), dbSNP rs768399513, ClinGen allele CA070018.
Genomic context (GRCh38, chr19:38,502,592, plus strand): 5'-CGCTGGCGCTGAACCGCTACCTGTGCCTGGCCGTGCTGCCGCTCATCACCAAGTGTGCGC[C>T]GCTCTTTGCGGGCACAGAACACCGCGCCATCATGGTGGACTCTATGCTGCATACCGTGTA-3'
Protein context (NP_000531.2, residues 2557-2577): AVLPLITKCA[Pro2567Leu]LFAGTEHRAI

ClinVar aggregate classification (germline): Uncertain significance. Review status: criteria provided, multiple submitters, no conflicts (2 of 4 stars). 4 submissions from 4 submitters: Uncertain significance (4). Last evaluated 2025-02-25.

Conditions:
Malignant hyperthermia, susceptibility to, 1 (MHS1). Also called: Malignant hyperthermia suceptibility 1; RYR1-Related Malignant Hyperthermia Susceptibility; Anesthesia related hyperthermia; Malignant hyperpyrexia; Fulminating hyperpyrexia; Pharmacogenic myopathy. Identifiers: Orphanet 423, MedGen C2930980, MONDO:0007783, OMIM 145600.
Congenital multicore myopathy with external ophthalmoplegia (CMYO1B). Also called: Minicore myopathy with external ophthalmoplegia; MULTIMINICORE DISEASE WITH EXTERNAL OPHTHALMOPLEGIA; Congenital myopathy 1B, autosomal recessive; Minicore myopathy; MULTICORE MYOPATHY. Identifiers: Orphanet 598, Orphanet 98905, MedGen C1850674, MONDO:0009712, OMIM 255320, HP:0003789.
Congenital myopathy with fiber type disproportion. Also called: Congenital fiber-type disproportion myopathy; Congenital fiber-type disproportion. Identifiers: Orphanet 2020, MedGen C0546264, MONDO:0009711. Inheritance: all.
King Denborough syndrome (KDS). Identifiers: MedGen C1840365, MONDO:0020485, OMIM 619542.
Central core myopathy (CMYO1A). Also called: CONGENITAL MYOPATHY 1A, AUTOSOMAL DOMINANT, WITH SUSCEPTIBILITY TO MALIGNANT HYPERTHERMIA; Central core disease; Myopathy, central fibrillar. Identifiers: Orphanet 597, MedGen C5830701, MONDO:0007294, OMIM 117000.
RYR1-related disorder. Also called: RYR1-related disorders; RYR1-related condition. Identifiers: MedGen CN239331.

Allele frequency attached by ClinVar (database versions not stated): gnomAD exomes below 0.00001 and 0.00001; ExAC 0.00001.
gnomAD v4.1: 5 of 1,612,726 alleles (0.00031%); highest among the groups gnomAD compares: East Asian, 0.0067%; no homozygotes.

Submissions (4):

Revvity Omics, Revvity
Classification: Uncertain significance. Last evaluated: 2025-02-25. Review status: criteria provided, single submitter. Criteria: ACMG Guidelines, 2015. Collection method: clinical testing. Allele origin: germline.

All of Us Research Program, National Institutes of Health
Classification: Uncertain significance for Malignant hyperthermia, susceptibility to, 1. Last evaluated: 2024-01-11. Review status: criteria provided, single submitter. Criteria: ACMG Guidelines, 2015. Collection method: clinical testing. Allele origin: germline. Inheritance: Autosomal dominant inheritance. Observed: 3 variant alleles, 3 heterozygotes.
Comment: This missense variant replaces proline with leucine at codon 2567 of the RYR1 protein. Computational prediction is inconclusive regarding the impact of this variant on protein structure and function (internally defined REVEL score threshold 0.5 < inconclusive < 0.7, PMID: 27666373). To our knowledge, functional studies have not been reported for this variant. This variant has not been reported in individuals affected with RYR1-related disorders in the literature. This variant has been identified in 2/250184 chromosomes in the general population by the Genome Aggregation Database (gnomAD). The available evidence is insufficient to determine the role of this variant in disease conclusively. Therefore, this variant is classified as a Variant of Uncertain Significance.

This study involves interpretation of variants in research participants for the purpose of population health screening. Participant phenotype was not available at the time of variant classification. Additional details can be found in publication PMID: 35346344, PMCID: PMC8962531

Labcorp Genetics (formerly Invitae), Labcorp
Classification: Uncertain significance for RYR1-related disorder. Last evaluated: 2021-08-27. Review status: criteria provided, single submitter. Criteria: Invitae Variant Classification Sherloc (09022015). Collection method: clinical testing. Allele origin: germline.
Comment: This sequence change replaces proline with leucine at codon 2567 of the RYR1 protein (p.Pro2567Leu). The proline residue is moderately conserved and there is a moderate physicochemical difference between proline and leucine. This variant is present in population databases (rs768399513, ExAC 0.01%). This variant has not been reported in the literature in individuals affected with RYR1-related conditions. Algorithms developed to predict the effect of missense changes on protein structure and function are either unavailable or do not agree on the potential impact of this missense change (SIFT: "Deleterious"; PolyPhen-2: "Benign"; Align-GVGD: "Class C0"). In summary, the available evidence is currently insufficient to determine the role of this variant in disease. Therefore, it has been classified as a Variant of Uncertain Significance.

Fulgent Genetics
Classification: Uncertain significance for Central core myopathy; Malignant hyperthermia, susceptibility to, 1; Congenital myopathy 4A, autosomal dominant; Congenital multicore myopathy with external ophthalmoplegia; King Denborough syndrome. Last evaluated: 2021-07-26. Review status: criteria provided, single submitter. Criteria: ACMG Guidelines, 2015. Collection method: clinical testing. Allele origin: unknown.